The following is an entry in ClinVar:

ClinVar aggregate classification (germline): Conflicting classifications of pathogenicity. Review status: criteria provided, conflicting classifications (1 of 4 stars). 6 submissions from 6 submitters: Uncertain significance (2); Likely benign (4). Last evaluated 2026-01-14.

Conditions:
ITGA7-related disorder. Also called: ITGA7-related condition.
Congenital muscular dystrophy due to integrin alpha-7 deficiency. Also called: MYOPATHY, CONGENITAL, DUE TO INTEGRIN ALPHA-7 DEFICIENCY; Congenital muscular dystrophy with integrin alpha-7 deficiency; Muscular dystrophy, congenital, due to ITGA7 deficiency. Identifiers: Orphanet 34520, MedGen C2750786, MONDO:0013177, OMIM 613204.

Allele frequency attached by ClinVar (database versions not stated): TOPMed 0.00013; ESP Exome Variant Server 0.00015; gnomAD 0.00017 and 0.00019; gnomAD exomes 0.00019; ExAC 0.00022.
gnomAD v4.1: 303 of 1,613,992 alleles (0.019%); highest among the groups gnomAD compares: Non-Finnish European, 0.022%; 1 homozygote.

Submissions (6):

Labcorp Genetics (formerly Invitae), Labcorp
Classification: Likely benign for Congenital muscular dystrophy due to integrin alpha-7 deficiency. Last evaluated: 2026-01-14. Review status: criteria provided, single submitter. Criteria: Invitae Variant Classification Sherloc (09022015). Collection method: clinical testing. Allele origin: germline.

Revvity Omics, Revvity
Classification: Uncertain significance for Congenital muscular dystrophy due to integrin alpha-7 deficiency. Last evaluated: 2025-05-08. Review status: criteria provided, single submitter. Criteria: ACMG Guidelines, 2015. Collection method: clinical testing. Allele origin: germline.

PreventionGenetics, part of Exact Sciences
Classification: Likely benign for ITGA7-related condition. Last evaluated: 2025-03-29. Review status: criteria provided, single submitter. Criteria: ACMG Guidelines, 2015. Collection method: clinical testing. Allele origin: germline.
Comment: This variant is classified as likely benign based on ACMG/AMP sequence variant interpretation guidelines (Richards et al. 2015 PMID: 25741868, with internal and published modifications).

Blueprint Genetics
Classification: Likely benign. Last evaluated: 2024-09-12. Review status: criteria provided, single submitter. Criteria: ACMG Guidelines, 2015. Collection method: clinical testing. Allele origin: germline.

GeneDx
Classification: Likely benign. Last evaluated: 2020-07-13. Review status: criteria provided, single submitter. Criteria: GeneDx Variant Classification Process June 2021. Collection method: clinical testing. Allele origin: germline. Affected: yes.

Eurofins Ntd Llc (ga)
Classification: Uncertain significance. Last evaluated: 2014-12-03. Review status: criteria provided, single submitter. Criteria: EGL Classification Definitions 2015. Collection method: clinical testing. Allele origin: germline. Observed: 2 variant alleles, 2 heterozygotes.

NM_002206.3(ITGA7):c.1317C>T (p.Phe439=)

Gene: ITGA7 (integrin subunit alpha 7; minus strand). Cytogenetic location: 12q13.2.
Variant type: single nucleotide variant.
Coding change: c.1317C>T on transcript NM_002206.3 (MANE Select); coding-DNA position 1317, C replaced by T.
Protein change: p.Phe439=; no amino-acid change (phenylalanine 439 retained).
Molecular consequence: synonymous variant. On other transcripts: intron variant (1).
Genome position (GRCh38, 1-based): chr12:55,697,787, G>A on the plus strand (C>T on the coding strand, the complement: ITGA7 is on the minus strand). VCF-style: chr12-55697787-G-A. GRCh37 (hg19) VCF-style: chr12-56091571-G-A.
Other names: c.1329C>T, p.Phe443= (NM_001144996.2, NM_001414029.1); c.1038C>T, p.Phe346= (NM_001144997.2); c.990C>T, p.Phe330= (NM_001367993.1); c.1317C>T, p.Phe439= (NM_001374465.1, NM_001414034.1); c.1449C>T, p.Phe483= (NM_001410977.1); c.1242C>T, p.Phe414= (NM_001414030.1); c.1230C>T, p.Phe410= (NM_001414031.1); c.1197C>T, p.Phe399= (NM_001414032.1); and 3 more.
Identifiers: ClinVar variation 199075 (VCV000199075.23), dbSNP rs200714716, ClinGen allele CA248075.
Genomic context (GRCh38, chr12:55,697,787, plus strand): 5'-CACCAGCAGGTCAGGGTATTGGTTCCCATCCATATCCAAGCTGCCTGACAGGGAGTAGCC[G>A]AAGCTCTTGATGCCCACAGCCTCGCCCTCCAGCACCTAGAGAACCAGCTGTCAGCCTCCC-3'
Protein context (NP_002197.2, residues 429-449): LEGEAVGIKS[Phe439=]GYSLSGSLDM